The following is an entry in ClinVar:

ClinVar aggregate classification (germline): Uncertain significance (1 of 4 stars; one submission).

Conditions:
CEP290-related ciliopathy. Also called: CEP290 ciliopathy. Identifiers: MedGen CN305601, MONDO:0100451.

Submission:

Victorian Clinical Genetics Services, Murdoch Childrens Research Institute
Classification: Uncertain significance for CEP290-related ciliopathy. Last evaluated: 2023-07-17. Review status: criteria provided, single submitter. Criteria: ACMG Guidelines, 2015. Collection method: clinical testing. Allele origin: germline. Inheritance: Autosomal recessive inheritance. Affected: yes.
Comment: Based on the classification scheme VCGS_Germline_v1.3.4, this variant is classified as VUS-3B. Following criteria are met: 0102 - Loss of function is a known mechanism of disease in this gene and is associated with CEP290-related ciliopathy (MONDO#0100451). (I) 0106 - This gene is associated with autosomal recessive disease. (I) 0200 - Variant is predicted to result in a missense amino acid change from leucine to proline. (I) 0251 - This variant is heterozygous. (I) 0301 - Variant is absent from gnomAD (both v2 and v3). (SP) 0502 - Missense variant with conflicting in silico predictions and uninformative conservation. (I) 0604 - Variant is not located in an established domain, motif, hotspot or informative constraint region. (I) 0705 - No comparable missense variants have previous evidence for pathogenicity. (I) 0807 - This variant has no previous evidence of pathogenicity. (I) 0905 - No published segregation evidence has been identified for this variant. (I) 1007 - No published functional evidence has been identified for this variant. (I) 1208 - Inheritance information for this variant is not currently available in this individual. (I) Legend: (SP) - Supporting pathogenic, (I) - Information, (SB) - Supporting benign

NM_025114.4(CEP290):c.4346T>C (p.Leu1449Pro)

Gene: CEP290 (centrosomal protein 290; minus strand). Cytogenetic location: 12q21.32.
Variant type: single nucleotide variant.
Coding change: c.4346T>C on transcript NM_025114.4 (MANE Select); coding-DNA position 4346, T replaced by C.
Protein change: p.Leu1449Pro; replaces leucine 1449 with proline.
Molecular consequence: missense variant.
Genome position (GRCh38, 1-based): chr12:88,086,130, A>G on the plus strand (T>C on the coding strand, the complement: CEP290 is on the minus strand). VCF-style: chr12-88086130-A-G. GRCh37 (hg19) VCF-style: chr12-88479907-A-G.
Other names: short protein forms L1449P.
Identifiers: ClinVar variation 3254726 (VCV003254726.1), dbSNP rs2500010347.
Genomic context (GRCh38, chr12:88,086,130, plus strand): 5'-TCTAGAATTATTCGAATGTTCTCCTTAATTTTCCTTAGAGCGATCTCAAGTTGATTTGGA[A>G]GGGGCAAACTAGGGTCAGGGATTGATCCTGTAGCTTCTTCAAACTATTAAGAAATAGTAT-3'
Protein context (NP_079390.3, residues 1439-1459): TGSIPDPSLP[Leu1449Pro]PNQLEIALRK